The following is an entry in ClinVar:

ClinVar aggregate classification (germline): Uncertain significance. Review status: criteria provided, multiple submitters, no conflicts (2 of 4 stars). 2 submissions from 2 submitters: Uncertain significance (2). Last evaluated 2022-06-27.

Conditions:
Autosomal recessive limb-girdle muscular dystrophy type 2P. Also called: MUSCULAR DYSTROPHY-DYSTROGLYCANOPATHY, LIMB-GIRDLE, DAG1-RELATED; Limb-Girdle Muscular Dystrophy Type 9C; MUSCULAR DYSTROPHY, LIMB-GIRDLE, TYPE 2P. Identifiers: Orphanet 280333, MedGen C4511963, MONDO:0013440, OMIM 613818.
Muscular dystrophy-dystroglycanopathy (congenital with brain and eye anomalies), type A9. Also called: Muscular dystrophy-dystroglycanopathy (congenital with brain and eye anomalies), type a, 9; WALKER-WARBURG SYNDROME OR MUSCLE-EYE BRAIN DISEASE, DAG1-RELATED. Identifiers: Orphanet 370997, Orphanet 899, MedGen C4225291, MONDO:0014683, OMIM 616538.

Submissions (2):

Labcorp Genetics (formerly Invitae), Labcorp
Classification: Uncertain significance for Autosomal recessive limb-girdle muscular dystrophy type 2P; Muscular dystrophy-dystroglycanopathy (congenital with brain and eye anomalies), type A9. Last evaluated: 2022-06-27. Review status: criteria provided, single submitter. Criteria: Invitae Variant Classification Sherloc (09022015). Collection method: clinical testing. Allele origin: germline.
Comment: In summary, the available evidence is currently insufficient to determine the role of this variant in disease. Therefore, it has been classified as a Variant of Uncertain Significance. Experimental studies and prediction algorithms are not available or were not evaluated, and the functional significance of this variant is currently unknown. This variant has not been reported in the literature in individuals affected with DAG1-related conditions. This variant is present in population databases (rs745350022, gnomAD 0.01%). This variant, c.1877_1879del, results in the deletion of 1 amino acid(s) of the DAG1 protein (p.Lys626del), but otherwise preserves the integrity of the reading frame.

Eurofins Ntd Llc (ga)
Classification: Uncertain significance. Last evaluated: 2018-08-24. Review status: criteria provided, single submitter. Criteria: EGL ClinVar v180209 classification definitions. Collection method: clinical testing. Allele origin: germline. Observed: 2 variant alleles, 2 heterozygotes.

NM_004393.6(DAG1):c.1874AGA[1] (p.Lys626del)

Gene: DAG1 (dystroglycan 1; plus strand). Cytogenetic location: 3p21.31.
Variant type: Microsatellite.
Coding change: c.1874AGA[1] on transcript NM_004393.6 (MANE Select); one copy of the 3-base unit AGA starting at c.1874; the reference has two copies in a row; one copy, 3 bases deleted.
Protein change: p.Lys626del; deletes lysine 626.
Molecular consequence: inframe deletion.
Genome position (GRCh38, 1-based): chr3:49,532,388-49,532,390, AGA deleted; deleting any 3 consecutive bases within chr3:49,532,384-49,532,390 gives the same sequence; the position shown is the placement nearest the transcript's 3' end. VCF-style (leftmost placement, unchanged base first): chr3-49532383-CAAG-C. GRCh37 (hg19) VCF-style: chr3-49569816-CAAG-C.
Other names: c.1874AGA[1], p.Lys626del (NM_001165928.4, NM_001177634.3, NM_001177635.3 and 9 more transcripts); short protein forms K626del.
Identifiers: ClinVar variation 497186 (VCV000497186.13), dbSNP rs745350022, ClinGen allele CA2399164.
Genomic context (GRCh38, chr3:49,532,383, plus strand): 5'-TCCTGCAAGGTTCAAGGCCAAGTTTGTGGGTGACCCGGCACTGGTGTTGAATGACATCCA[CAAG>C]AAGATTGCCTTGGTAAAGAAACTGGCCTTCGCCTTTGGAGACCGAAACTGTAGCACCATC-3'